The following is an entry in ClinVar:

NM_022765.4(MICAL1):c.1303G>A (p.Glu435Lys)

Gene: MICAL1 (microtubule associated monooxygenase, calponin and LIM domain containing 1; minus strand). Cytogenetic location: 6q21.
Variant type: single nucleotide variant.
Coding change: c.1303G>A on transcript NM_022765.4 (MANE Select); coding-DNA position 1303, G replaced by A.
Protein change: p.Glu435Lys; replaces glutamic acid 435 with lysine.
Molecular consequence: missense variant.
Genome position (GRCh38, 1-based): chr6:109,449,974, C>T on the plus strand (G>A on the coding strand, the complement: MICAL1 is on the minus strand). VCF-style: chr6-109449974-C-T. GRCh37 (hg19) VCF-style: chr6-109771177-C-T.
Other names: c.1045G>A, p.Glu349Lys (NM_001159291.2); c.1360G>A, p.Glu454Lys (NM_001286613.2); short protein forms E454K, E349K, E435K.
Identifiers: ClinVar variation 3666472 (VCV003666472.2).

ClinVar aggregate classification (germline): Uncertain significance (1 of 4 stars; one submission).

Submission:

Labcorp Genetics (formerly Invitae), Labcorp
Classification: Uncertain significance. Last evaluated: 2024-09-08. Review status: criteria provided, single submitter. Criteria: Invitae Variant Classification Sherloc (09022015). Collection method: clinical testing. Allele origin: germline.
Comment: This sequence change replaces glutamic acid, which is acidic and polar, with lysine, which is basic and polar, at codon 454 of the MICAL1 protein (p.Glu454Lys). This variant is not present in population databases (gnomAD no frequency). This variant has not been reported in the literature in individuals affected with MICAL1-related conditions. An algorithm developed to predict the effect of missense changes on protein structure and function (PolyPhen-2) suggests that this variant is likely to be disruptive. In summary, the available evidence is currently insufficient to determine the role of this variant in disease. Therefore, it has been classified as a Variant of Uncertain Significance.